The following is an entry in ClinVar:

ClinVar aggregate classification (germline): Conflicting classifications of pathogenicity. Review status: criteria provided, conflicting classifications (1 of 4 stars). 9 submissions from 9 submitters: Uncertain significance (8); Likely benign (1). Last evaluated 2025-10-27.

Conditions:
STX11-related disorder. Also called: STX11-related condition.
Familial hemophagocytic lymphohistiocytosis (FHL). Also called: Familial erythrophagocytic lymphohistiocytosis; Familial histiocytic reticulosis; Hereditary hemophagocytic lymphohistiocytosis. Identifiers: Orphanet 158038, Orphanet 540, MedGen C0272199, MONDO:0015541.
Familial hemophagocytic lymphohistiocytosis 4 (FHL4). Also called: STX11-Related Familial Hemophagocytic Lymphohistiocytosis (STX11-fHLH). Identifiers: Orphanet 540, MedGen C1863728, MONDO:0011336, OMIM 603552.

Allele frequency attached by ClinVar (database versions not stated): 1000 Genomes Project 0.00080; gnomAD 0.00086 and 0.00091; TOPMed 0.00103; gnomAD exomes 0.00107; 1000 Genomes Project 30x 0.00109; ExAC 0.00110; ESP Exome Variant Server 0.00161.

Submissions (9):

Mayo Clinic Laboratories, Mayo Clinic
Classification: Uncertain significance. Last evaluated: 2025-10-27. Review status: criteria provided, single submitter. Criteria: ACMG Guidelines, 2015. Collection method: clinical testing. Allele origin: germline. Observed: 4 variant alleles.
Comment: BS1, PS4_moderate

PreventionGenetics, part of Exact Sciences
Classification: Uncertain significance for STX11-related condition. Last evaluated: 2025-04-21. Review status: criteria provided, single submitter. Criteria: ACMG Guidelines, 2015. Collection method: clinical testing. Allele origin: germline.
Comment: The STX11 c.616G>A variant is predicted to result in the amino acid substitution p.Glu206Lys. This variant was reported in an individual with haemophagocytic lymphohistiocytosis (Marsh et al. 2010. PubMed ID: 20486178). This variant is reported in 0.18% of alleles in individuals of South Asian descent in gnomAD. At this time, the clinical significance of this variant is uncertain due to the absence of conclusive functional and genetic evidence.

Blueprint Genetics
Classification: Uncertain significance. Last evaluated: 2024-11-11. Review status: criteria provided, single submitter. Criteria: ACMG Guidelines, 2015. Collection method: clinical testing. Allele origin: germline.

Women's Health and Genetics/Laboratory Corporation of America, LabCorp
Classification: Likely benign. Last evaluated: 2024-07-30. Review status: criteria provided, single submitter. Criteria: LabCorp Variant Classification Summary - May 2015. Collection method: clinical testing. Allele origin: germline.
Comment: Variant summary: STX11 c.616G>A (p.Glu206Lys) results in a conservative amino acid change located in the Target SNARE coiled-coil homology domain of the encoded protein sequence. Three of five in-silico tools predict a damaging effect of the variant on protein function. The variant allele was found at a frequency of 0.0011 in 250278 control chromosomes. The observed variant frequency is approximately 2 fold of the estimated maximal expected allele frequency for a pathogenic variant in STX11 causing Familial Hemophagocytic Lymphohistiocytosis phenotype (0.0005). c.616G>A has been reported in the literature in at least one individual affected with Familial Hemophagocytic Lymphohistiocytosis (Marsh_2010). This report does not provide unequivocal conclusions about association of the variant with Familial Hemophagocytic Lymphohistiocytosis. At least one publication reports experimental evidence evaluating an impact on protein function and results are conflicting (Marsh_2010). The following publication have been ascertained in the context of this evaluation (PMID: 20486178). ClinVar contains an entry for this variant (Variation ID: 403500). Based on the evidence outlined above, the variant was classified as likely benign.

GeneDx
Classification: Uncertain significance. Last evaluated: 2023-12-03. Review status: criteria provided, single submitter. Criteria: GeneDx Variant Classification Process June 2021. Collection method: clinical testing. Allele origin: germline. Affected: yes.
Comment: Identified in trans with another missense variant in an individual with clinical features of familial hemophagocytic lymphohistiocytosis in the published literature (PMID: 20486178); Identified in the heterozgyous state in a patient with psoriatic arthritis and plaque psoriasis; this patient was found to harbor several variants in other genes associated with immune response (PMID: 37679036); In silico analysis, which includes protein predictors and evolutionary conservation, supports a deleterious effect; This variant is associated with the following publications: (PMID: 34426522, 35741048, 31419545, 20486178, 37679036)

Labcorp Genetics (formerly Invitae), Labcorp
Classification: Uncertain significance for Familial hemophagocytic lymphohistiocytosis 4. Last evaluated: 2022-10-17. Review status: criteria provided, single submitter. Criteria: Invitae Variant Classification Sherloc (09022015). Collection method: clinical testing. Allele origin: germline.
Comment: This sequence change replaces glutamic acid, which is acidic and polar, with lysine, which is basic and polar, at codon 206 of the STX11 protein (p.Glu206Lys). This variant is present in population databases (rs145347140, gnomAD 0.2%), and has an allele count higher than expected for a pathogenic variant. This missense change has been observed in individual(s) with hemophagocytic lymphohistiocytosis (PMID: 20486178). ClinVar contains an entry for this variant (Variation ID: 403500). Algorithms developed to predict the effect of missense changes on protein structure and function output the following: SIFT: "Deleterious"; PolyPhen-2: "Benign"; Align-GVGD: "Class C0". The lysine amino acid residue is found in multiple mammalian species, which suggests that this missense change does not adversely affect protein function. Experimental studies are conflicting or provide insufficient evidence to determine the effect of this variant on STX11 function (PMID: 20486178). In summary, the available evidence is currently insufficient to determine the role of this variant in disease. Therefore, it has been classified as a Variant of Uncertain Significance.

Victorian Clinical Genetics Services, Murdoch Childrens Research Institute
Classification: Uncertain significance for Familial hemophagocytic lymphohistiocytosis 4. Last evaluated: 2020-05-21. Review status: criteria provided, single submitter. Criteria: ACMG Guidelines, 2015. Collection method: clinical testing. Allele origin: germline. Inheritance: Autosomal recessive inheritance.
Comment: A heterozygous missense variant was identified, NM_003764.3(STX11):c.616G>A in exon 2 of 2 of the STX11 gene. This substitution is predicted to create a minor amino acid change from a glutamic acid to a lysine at position 206 of the protein; NP_003755.2(STX11):p.(Glu206Lys). The glutamic acid at this position has moderate conservation (100 vertebrates, UCSC), and is located within the t-SNARE coiled-coil region of the protein (PDB, UniProt). In silico software predicts this variant to be damaging (Polyphen, SIFT, CADD, Mutation Taster). The variant is present in the gnomAD population database at a global population frequency of of 0.1% (289 heterozygotes, 0 homozygotes) with a European sub-population frequency of 0.17%. This variant has previously been reported as a VUS in patients with haemophagocytic lymphohistiocytosis and was shown to be a compound heterozygote in a patient (ClinVar, Marsh, R. et al. (2010)). Based on information available at the time of curation, this variant has been classified as a VUS with POTENTIAL CLINICAL RELEVANCE.

Mendelics
Classification: Uncertain significance for Familial hemophagocytic lymphohistiocytosis 4. Last evaluated: 2019-05-28. Review status: criteria provided, single submitter. Criteria: Mendelics Assertion Criteria 2017. Collection method: clinical testing. Allele origin: unknown.

Laboratory for Molecular Medicine, Mass General Brigham Personalized Medicine
Classification: Uncertain significance. Last evaluated: 2016-04-25. Review status: criteria provided, single submitter. Criteria: LMM Criteria. Collection method: clinical testing. Allele origin: germline.
Comment: Variant identified in a genome or exome case(s) and assessed due to predicted null impact of the variant or pathogenic assertions in the literature or databases. Disclaimer: This variant has not undergone full assessment.

Literature cited by the submitters: PubMed 20486178 (cited by 3 submitters); PubMed 39117809 (cited by Mayo Clinic Laboratories, Mayo Clinic).

NM_003764.4(STX11):c.616G>A (p.Glu206Lys)

Gene: STX11 (syntaxin 11; plus strand). Cytogenetic location: 6q24.2.
Variant type: single nucleotide variant.
Coding change: c.616G>A on transcript NM_003764.4 (MANE Select); coding-DNA position 616, G replaced by A.
Protein change: p.Glu206Lys; replaces glutamic acid 206 with lysine.
Molecular consequence: missense variant.
Genome position (GRCh38, 1-based): chr6:144,187,243, G>A. VCF-style: chr6-144187243-G-A. GRCh37 (hg19) VCF-style: chr6-144508380-G-A.
Other names: short protein forms E206K.
Identifiers: ClinVar variation 403500 (VCV000403500.25), dbSNP rs145347140, ClinGen allele CA4031748.